The following is an entry in ClinVar:

NM_170707.4(LMNA):c.39G>A (p.Gly13=)

Genes: LMNA (lamin A/C; plus strand), LOC129931597 (ATAC-STARR-seq lymphoblastoid silent region 1421; plus strand). Cytogenetic location: 1q22.
Variant type: single nucleotide variant.
Coding change: c.39G>A on transcript NM_170707.4 (MANE Select); coding-DNA position 39, G replaced by A.
Protein change: p.Gly13=; no amino-acid change (glycine 13 retained).
Molecular consequence: synonymous variant. On other transcripts: 5 prime UTR variant (8), intron variant (2).
Genome position (GRCh38, 1-based): chr1:156,114,957, G>A. VCF-style: chr1-156114957-G-A. GRCh37 (hg19) VCF-style: chr1-156084748-G-A.
Other names: c.-385G>A (NM_001406986.1); c.-363G>A (NM_001406990.1, NM_001406995.1, NM_001407002.1); c.39G>A, p.Gly13= (NM_001406991.1, NM_001406992.1, NM_005572.4 and 6 more transcripts); c.-626G>A (NM_001406994.1, NM_001407000.1); c.-806G>A (NM_001406999.1); c.-469G>A (NM_001407001.1); c.-203+8134G>A (NM_001406993.1, NM_001407003.1).
Identifiers: ClinVar variation 2720984 (VCV002720984.6), dbSNP rs747663457, ClinGen allele CA053347.

ClinVar aggregate classification (germline): Likely benign. Review status: criteria provided, multiple submitters, no conflicts (2 of 4 stars). 4 submissions from 4 submitters: Likely benign (4). Last evaluated 2025-01-19.

Conditions:
Primary dilated cardiomyopathy (DCM). Also called: Dilated Cardiomyopathy. Identifiers: Orphanet 217604, MedGen C0007193, MeSH D002311, MONDO:0005021, HP:0001644. Inheritance: Various modes of inheritance.
Cardiomyopathy (CMYO). Also called: Cardiomyopathies. Identifiers: Orphanet 167848, MedGen C0878544, MONDO:0004994, HP:0001638. Inheritance: Various modes of inheritance.
Charcot-Marie-Tooth disease type 2. Also called: Charcot-Marie-Tooth type 2. Identifiers: Orphanet 64746, MedGen C0270914, MONDO:0018993.
Cardiovascular phenotype. Identifiers: MedGen CN230736.

Allele frequency attached by ClinVar (database versions not stated): gnomAD exomes below 0.00001.
gnomAD v4.1: 3 of 1,579,328 alleles (0.00019%); highest among the groups gnomAD compares: Non-Finnish European, 0.00026%; no homozygotes.

Submissions (4):

Ambry Genetics
Classification: Likely benign for Cardiovascular phenotype. Last evaluated: 2025-01-19. Review status: criteria provided, single submitter. Criteria: Ambry Variant Classification Scheme 2023. Collection method: clinical testing. Allele origin: germline.

Labcorp Genetics (formerly Invitae), Labcorp
Classification: Likely benign for Charcot-Marie-Tooth disease type 2. Last evaluated: 2023-11-03. Review status: criteria provided, single submitter. Criteria: Invitae Variant Classification Sherloc (09022015). Collection method: clinical testing. Allele origin: germline.

All of Us Research Program, National Institutes of Health
Classification: Likely benign for Primary dilated cardiomyopathy. Last evaluated: 2023-09-17. Review status: criteria provided, single submitter. Criteria: ACMG Guidelines, 2015. Collection method: clinical testing. Allele origin: germline. Inheritance: Autosomal dominant inheritance. Observed: 1 variant allele, 1 heterozygote.
Comment: This study involves interpretation of variants in research participants for the purpose of population health screening. Participant phenotype was not available at the time of variant classification. Additional details can be found in publication PMID: 35346344, PMCID: PMC8962531

Color Diagnostics, LLC DBA Color Health
Classification: Likely benign for Cardiomyopathy. Last evaluated: 2023-05-16. Review status: criteria provided, single submitter. Criteria: ACMG Guidelines, 2015. Collection method: clinical testing. Allele origin: germline.